The following is an entry in ClinVar:

ClinVar aggregate classification (germline): Uncertain significance (1 of 4 stars; one submission).

Conditions:
Familial thoracic aortic aneurysm and aortic dissection (TAAD). Also called: Thoracic aortic aneurysms and dissections. Identifiers: Orphanet 91387, MedGen C4707243, MONDO:0019625.

gnomAD v4.1: 1 of 1,212,073 alleles (0.000083%); highest among the groups gnomAD compares: Non-Finnish European, 0.00011%; no homozygotes.

Submission:

Ambry Genetics
Classification: Uncertain significance for Familial thoracic aortic aneurysm and aortic dissection. Last evaluated: 2025-02-20. Review status: criteria provided, single submitter. Criteria: Ambry Variant Classification Scheme 2023. Collection method: clinical testing. Allele origin: germline.
Comment: The p.P1707L variant (also known as c.5120C>T), located in coding exon 29 of the FLNA gene, results from a C to T substitution at nucleotide position 5120. The proline at codon 1707 is replaced by leucine, an amino acid with similar properties. This amino acid position is well conserved in available vertebrate species. In addition, the in silico prediction for this alteration is inconclusive. Based on the available evidence, the clinical significance of this variant remains unclear.

NM_001110556.2(FLNA):c.5144C>T (p.Pro1715Leu)

Gene: FLNA (filamin A; minus strand). Cytogenetic location: Xq28.
Variant type: single nucleotide variant.
Coding change: c.5144C>T on transcript NM_001110556.2 (MANE Select); coding-DNA position 5144, C replaced by T.
Protein change: p.Pro1715Leu; replaces proline 1715 with leucine.
Molecular consequence: missense variant.
Genome position (GRCh38, 1-based): chrX:154,354,898, G>A on the plus strand (C>T on the coding strand, the complement: FLNA is on the minus strand). VCF-style: chrX-154354898-G-A. GRCh37 (hg19) VCF-style: chrX-153583266-G-A.
Other names: c.5120C>T, p.Pro1707Leu (NM_001456.4); short protein forms P1707L, P1715L.
Identifiers: ClinVar variation 3850747 (VCV003850747.1).